The following is an entry in ClinVar:

ClinVar aggregate classification (germline): Uncertain significance. Review status: criteria provided, multiple submitters, no conflicts (2 of 4 stars). 3 submissions from 3 submitters: Uncertain significance (3). Last evaluated 2023-09-28.

Conditions:
Hereditary cancer-predisposing syndrome. Also called: Hereditary neoplastic syndrome; Neoplastic Syndromes, Hereditary; Tumor predisposition; Hereditary Cancer Syndrome. Identifiers: Orphanet 140162, MedGen C0027672, MeSH D009386, MONDO:0015356.
Familial adenomatous polyposis 1 (FAP1). Also called: POLYPOSIS, ADENOMATOUS INTESTINAL; FAMILIAL ADENOMATOUS POLYPOSIS 1, ATTENUATED. Identifiers: MedGen C2713442, MONDO:0021056, OMIM 175100. Disease mechanism: loss of function.

Submissions (3):

Ambry Genetics
Classification: Uncertain significance for Hereditary cancer-predisposing syndrome. Last evaluated: 2023-09-28. Review status: criteria provided, single submitter. Criteria: Ambry Variant Classification Scheme 2023. Collection method: clinical testing. Allele origin: germline.
Comment: The p.S2533C variant (also known as c.7598C>G), located in coding exon 15 of the APC gene, results from a C to G substitution at nucleotide position 7598. The serine at codon 2533 is replaced by cysteine, an amino acid with dissimilar properties. This amino acid position is highly conserved in available vertebrate species. In addition, in silico predictors for this gene do not accurately predict pathogenicity. Since supporting evidence is limited at this time, the clinical significance of this alteration remains unclear.

Labcorp Genetics (formerly Invitae), Labcorp
Classification: Uncertain significance for Familial adenomatous polyposis 1. Last evaluated: 2022-11-10. Review status: criteria provided, single submitter. Criteria: Invitae Variant Classification Sherloc (09022015). Collection method: clinical testing. Allele origin: germline.
Comment: In summary, the available evidence is currently insufficient to determine the role of this variant in disease. Therefore, it has been classified as a Variant of Uncertain Significance. Advanced modeling of protein sequence and biophysical properties (such as structural, functional, and spatial information, amino acid conservation, physicochemical variation, residue mobility, and thermodynamic stability) performed at Invitae indicates that this missense variant is not expected to disrupt APC protein function. This variant has not been reported in the literature in individuals affected with APC-related conditions. This variant is not present in population databases (gnomAD no frequency). This sequence change replaces serine, which is neutral and polar, with cysteine, which is neutral and slightly polar, at codon 2533 of the APC protein (p.Ser2533Cys). ClinVar contains an entry for this variant (Variation ID: 1321396).

Women's Health and Genetics/Laboratory Corporation of America, LabCorp
Classification: Uncertain significance. Last evaluated: 2021-10-20. Review status: criteria provided, single submitter. Criteria: LabCorp Variant Classification Summary - May 2015. Collection method: clinical testing. Allele origin: germline.

NM_000038.6(APC):c.7598C>G (p.Ser2533Cys)

Gene: APC (APC regulator of Wnt signaling pathway; plus strand). Cytogenetic location: 5q22.2.
Variant type: single nucleotide variant.
Coding change: c.7598C>G on transcript NM_000038.6 (MANE Select); coding-DNA position 7598, C replaced by G.
Protein change: p.Ser2533Cys; replaces serine 2533 with cysteine.
Molecular consequence: missense variant.
Genome position (GRCh38, 1-based): chr5:112,843,192, C>G. VCF-style: chr5-112843192-C-G. GRCh37 (hg19) VCF-style: chr5-112178889-C-G.
Other names: c.7598C>G, p.Ser2533Cys (NM_001127510.3, NM_001354895.2); c.7544C>G, p.Ser2515Cys (NM_001127511.3); c.7652C>G, p.Ser2551Cys (NM_001354896.2); c.7628C>G, p.Ser2543Cys (NM_001354897.2); c.7523C>G, p.Ser2508Cys (NM_001354898.2); c.7514C>G, p.Ser2505Cys (NM_001354899.2); c.7475C>G, p.Ser2492Cys (NM_001354900.2); c.7421C>G, p.Ser2474Cys (NM_001354901.2); and 5 more; short protein forms S2250C, S2373C, S2407C, S2432C, S2442C, S2474C, S2492C, S2505C.
Identifiers: ClinVar variation 1321396 (VCV001321396.6), dbSNP rs1766520094, ClinGen allele CA16037837.